The following is an entry in ClinVar:

ClinVar aggregate classification (germline): Uncertain significance (1 of 4 stars; one submission).

Submission:

Labcorp Genetics (formerly Invitae), Labcorp
Classification: Uncertain significance. Last evaluated: 2023-07-21. Review status: criteria provided, single submitter. Criteria: Invitae Variant Classification Sherloc (09022015). Collection method: clinical testing. Allele origin: germline.
Comment: An algorithm developed to predict the effect of missense changes on protein structure and function (PolyPhen-2) suggests that this variant is likely to be tolerated. ClinVar contains an entry for this variant (Variation ID: 1993366). This variant has not been reported in the literature in individuals affected with CLCN7-related conditions. This variant is not present in population databases (gnomAD no frequency). This sequence change replaces alanine, which is neutral and non-polar, with serine, which is neutral and polar, at codon 463 of the CLCN7 protein (p.Ala463Ser). In summary, the available evidence is currently insufficient to determine the role of this variant in disease. Therefore, it has been classified as a Variant of Uncertain Significance.

NM_001287.6(CLCN7):c.1387G>T (p.Ala463Ser)

Gene: CLCN7 (chloride voltage-gated channel 7; minus strand). Cytogenetic location: 16p13.3.
Variant type: single nucleotide variant.
Coding change: c.1387G>T on transcript NM_001287.6 (MANE Select); coding-DNA position 1387, G replaced by T.
Protein change: p.Ala463Ser; replaces alanine 463 with serine.
Molecular consequence: missense variant.
Genome position (GRCh38, 1-based): chr16:1,451,683, C>A on the plus strand (G>T on the coding strand, the complement: CLCN7 is on the minus strand). VCF-style: chr16-1451683-C-A. GRCh37 (hg19) VCF-style: chr16-1501684-C-A.
Other names: c.1315G>T, p.Ala439Ser (NM_001114331.3); short protein forms A439S, A463S.
Identifiers: ClinVar variation 1993366 (VCV001993366.4), dbSNP rs2505822049, ClinGen allele CA394188186.